The following is an entry in ClinVar:

NM_144997.7(FLCN):c.735_738del (p.Ser246fs)

Gene: FLCN (folliculin; minus strand). Cytogenetic location: 17p11.2.
Variant type: Deletion.
Coding change: c.735_738del on transcript NM_144997.7 (MANE Select); coding-DNA positions 735 to 738, 4 bases deleted (AAGT; older notation c.735_738delAAGT).
Protein change: p.Ser246fs; shifts the reading frame from serine 246.
Molecular consequence: frameshift variant.
Genome position (GRCh38, 1-based): chr17:17,222,542-17,222,545, ACTT deleted on the plus strand (AAGT on the coding strand, the reverse complement: FLCN is on the minus strand). VCF-style (leftmost placement, unchanged base first): chr17-17222541-CACTT-C. GRCh37 (hg19) VCF-style: chr17-17125855-CACTT-C.
Other names: c.735_738del (LRG_325t1); c.789_792del, p.Ser264fs (NM_001353229.2); c.735_738del, p.Ser246fs (NM_001353230.2, NM_001353231.2, NM_144606.7); short protein forms S246fs, S264fs.
Identifiers: ClinVar variation 253234 (VCV000253234.11), dbSNP rs879255662, ClinGen allele CA10586269.

ClinVar aggregate classification (germline): Pathogenic. Review status: criteria provided, multiple submitters, no conflicts (2 of 4 stars). 3 submissions from 3 submitters: Pathogenic (3). Last evaluated 2024-02-20.

Conditions:
Birt-Hogg-Dube syndrome 1 (BHD1). Also called: FIBROFOLLICULOMAS WITH TRICHODISCOMAS AND ACROCHORDONS. Identifiers: Orphanet 122, MedGen CN375946, MONDO:0800445, OMIM 135150.
Birt-Hogg-Dube syndrome. Also called: Birt Hogg Dubé syndrome. Identifiers: Orphanet 122, MedGen C0346010, MONDO:0800444.

Allele frequency attached by ClinVar (database versions not stated): TOPMed below 0.00001.

Submissions (3):

Labcorp Genetics (formerly Invitae), Labcorp
Classification: Pathogenic for Birt-Hogg-Dube syndrome. Last evaluated: 2024-02-20. Review status: criteria provided, single submitter. Criteria: Invitae Variant Classification Sherloc (09022015). Collection method: clinical testing. Allele origin: germline.
Comment: This sequence change creates a premature translational stop signal (p.Ser246Metfs*16) in the FLCN gene. It is expected to result in an absent or disrupted protein product. Loss-of-function variants in FLCN are known to be pathogenic (PMID: 15852235). This variant is not present in population databases (gnomAD no frequency). This premature translational stop signal has been observed in individual(s) with Birt-Hogg-Dubé syndrome (PMID: 28869776). ClinVar contains an entry for this variant (Variation ID: 253234). For these reasons, this variant has been classified as Pathogenic.

Myriad Genetics, Inc.
Classification: Pathogenic for Birt-Hogg-Dube syndrome 1. Last evaluated: 2024-02-09. Review status: criteria provided, single submitter. Criteria: Myriad Autosomal Dominant, Autosomal Recessive and X-Linked Classification Criteria (2023). Collection method: clinical testing. Allele origin: unknown.
Comment: This variant is considered pathogenic. This variant creates a frameshift predicted to result in premature protein truncation.

Genomic Diagnostic Laboratory, Division of Genomic Diagnostics, Children's Hospital of Philadelphia
Classification: Pathogenic for Birt-Hogg-Dube Syndrome. Last evaluated: 2016-07-18. Review status: criteria provided, single submitter. Criteria: DGD Variant Analysis Guidelines. Collection method: clinical testing. Allele origin: germline. Affected: yes. Observed: 1 variant allele.
Comment: Clinical Testing

Literature cited by the submitters: PubMed 15852235 (cited by Labcorp Genetics (formerly Invitae), Labcorp); PubMed 28869776 (cited by Labcorp Genetics (formerly Invitae), Labcorp).